The following is an entry in ClinVar:

NM_001008537.3(NEXMIF):c.1819T>C (p.Ser607Pro)

Gene: NEXMIF (neurite extension and migration factor; minus strand). Cytogenetic location: Xq13.3.
Variant type: single nucleotide variant.
Coding change: c.1819T>C on transcript NM_001008537.3 (MANE Select); coding-DNA position 1819, T replaced by C.
Protein change: p.Ser607Pro; replaces serine 607 with proline.
Molecular consequence: missense variant.
Genome position (GRCh38, 1-based): chrX:74,742,738, A>G on the plus strand (T>C on the coding strand, the complement: NEXMIF is on the minus strand). VCF-style: chrX-74742738-A-G. GRCh37 (hg19) VCF-style: chrX-73962573-A-G.
Other names: short protein forms S607P.
Identifiers: ClinVar variation 1522459 (VCV001522459.8), dbSNP rs2147440669, ClinGen allele CA413669620.
Genomic context (GRCh38, chrX:74,742,738, plus strand): 5'-TGCGAGCAGGTGGCAGAAATGACACCTCAAAGCTACCTGGTTCAAAGCTTTGCTTTTGGG[A>G]AAAAGGTGTCTTGATGGAGTCCGTGTTGGTGTTTCTCTGCTTCTTCTTCTTTTGCCAGAA-3'
Protein context (NP_001008537.1, residues 597-617): TNTDSIKTPF[Ser607Pro]QKQSFEPGSF

ClinVar aggregate classification (germline): Uncertain significance (1 of 4 stars; one submission).

Allele frequency attached by ClinVar (database versions not stated): gnomAD exomes below 0.00001.
gnomAD v4.1: 1 of 1,209,575 alleles (0.000083%); highest among the groups gnomAD compares: Middle Eastern, 0.023%; no homozygotes.

Submission:

Labcorp Genetics (formerly Invitae), Labcorp
Classification: Uncertain significance. Last evaluated: 2021-07-15. Review status: criteria provided, single submitter. Criteria: Invitae Variant Classification Sherloc (09022015). Collection method: clinical testing. Allele origin: germline.
Comment: This variant has not been reported in the literature in individuals with NEXMIF-related conditions. This variant is not present in population databases (ExAC no frequency). This sequence change replaces serine with proline at codon 607 of the NEXMIF protein (p.Ser607Pro). The serine residue is weakly conserved and there is a moderate physicochemical difference between serine and proline. In summary, the available evidence is currently insufficient to determine the role of this variant in disease. Therefore, it has been classified as a Variant of Uncertain Significance. Algorithms developed to predict the effect of missense changes on protein structure and function (SIFT, PolyPhen-2, Align-GVGD) all suggest that this variant is likely to be tolerated, but these predictions have not been confirmed by published functional studies and their clinical significance is uncertain.